The following is an entry in ClinVar:

NM_032043.3(BRIP1):c.1303C>A (p.His435Asn)

Gene: BRIP1 (BRCA1 interacting DNA helicase 1; minus strand). Cytogenetic location: 17q23.2.
Variant type: single nucleotide variant.
Coding change: c.1303C>A on transcript NM_032043.3 (MANE Select); coding-DNA position 1303, C replaced by A.
Protein change: p.His435Asn; replaces histidine 435 with asparagine.
Molecular consequence: missense variant.
Genome position (GRCh38, 1-based): chr17:61,799,137, G>T on the plus strand (C>A on the coding strand, the complement: BRIP1 is on the minus strand). VCF-style: chr17-61799137-G-T. GRCh37 (hg19) VCF-style: chr17-59876498-G-T.
Other names: short protein forms H435N.
Identifiers: ClinVar variation 3228084 (VCV003228084.1), dbSNP rs1060501758, ClinGen allele CA400483476.

ClinVar aggregate classification (germline): Uncertain significance (1 of 4 stars; one submission).

Conditions:
Hereditary cancer-predisposing syndrome. Also called: Neoplastic Syndromes, Hereditary; Tumor predisposition; Hereditary neoplastic syndrome; Hereditary Cancer Syndrome. Identifiers: Orphanet 140162, MedGen C0027672, MeSH D009386, MONDO:0015356.

Submission:

Ambry Genetics
Classification: Uncertain significance for Hereditary cancer-predisposing syndrome. Last evaluated: 2024-01-17. Review status: criteria provided, single submitter. Criteria: Ambry Variant Classification Scheme 2023. Collection method: clinical testing. Allele origin: germline.
Comment: The p.H435N variant (also known as c.1303C>A), located in coding exon 8 of the BRIP1 gene, results from a C to A substitution at nucleotide position 1303. The histidine at codon 435 is replaced by asparagine, an amino acid with similar properties. This amino acid position is conserved. In addition, the in silico prediction for this alteration is inconclusive. Based on the available evidence, the clinical significance of this alteration remains unclear.